The following is an entry in ClinVar:

NM_004360.5(CDH1):c.2204C>T (p.Ala735Val)

Gene: CDH1 (cadherin 1; plus strand). Cytogenetic location: 16q22.1.
Variant type: single nucleotide variant.
Coding change: c.2204C>T on transcript NM_004360.5 (MANE Select); coding-DNA position 2204, C replaced by T.
Protein change: p.Ala735Val; replaces alanine 735 with valine.
Molecular consequence: missense variant.
Genome position (GRCh38, 1-based): chr16:68,828,213, C>T. VCF-style: chr16-68828213-C-T. GRCh37 (hg19) VCF-style: chr16-68862116-C-T.
Other names: p.A735V:GCG>GTG; NM_004360.5(CDH1):c.2204C>T; c.2204C>T (LRG_301t1); c.2021C>T, p.Ala674Val (NM_001317184.2); c.656C>T, p.Ala219Val (NM_001317185.2); c.239C>T, p.Ala80Val (NM_001317186.2); short protein forms A735V, A674V, A80V, A219V.
Identifiers: ClinVar variation 142435 (VCV000142435.51), dbSNP rs587782464, ClinGen allele CA294397.

ClinVar aggregate classification (germline): Likely benign. Review status: reviewed by expert panel (3 of 4 stars). 15 submissions from 15 submitters: Likely benign (1). 14 of the submissions do not count toward it. Last evaluated 2024-03-25.

Conditions:
CDH1-related diffuse gastric and lobular breast cancer syndrome. Also called: CDH1-related diffuse gastric and lobular breast cancer. Identifiers: MedGen CN311521, MONDO:0100488.
CDH1-related disorder. Also called: CDH1-related condition.
Hereditary cancer-predisposing syndrome. Also called: Tumor predisposition; Neoplastic Syndromes, Hereditary; Hereditary neoplastic syndrome; Hereditary Cancer Syndrome. Identifiers: Orphanet 140162, MedGen C0027672, MeSH D009386, MONDO:0015356.
Hereditary diffuse gastric adenocarcinoma (HDGC). Also called: DIFFUSE GASTRIC AND LOBULAR BREAST CANCER SYNDROME. Identifiers: Orphanet 26106, MedGen C1708349, MONDO:0007648, OMIM 137215.

Allele frequency attached by ClinVar (database versions not stated): ExAC 0.00002; gnomAD 0.00003; TOPMed 0.00004.
gnomAD v4.1: 41 of 1,613,798 alleles (0.0025%); highest among the groups gnomAD compares: Non-Finnish European, 0.0031%; no homozygotes.

Submissions (15):

Clingen Gastric Cancer Variant Curation Expert Panel
Classification: Likely benign for CDH1-related diffuse gastric and lobular breast cancer syndrome. Last evaluated: 2024-03-25. Review status: reviewed by expert panel. Criteria: ClinGen CDH1 ACMG Specifications V3.1. Collection method: curation. Allele origin: germline. Inheritance: Autosomal dominant inheritance.
Comment: The NM_004360.5(CDH1):c.2204C>T (p.Ala735Val) is missense variant. The variant has been observed in >10 (188) individuals without a diagnosis of diffuse gastric cancer, signet ring tumor or lobular breast cancer and whose family histories do not suggest HDGC (BS2; PMID: 26898890; ClinVar: SCVs: SCV000186555.7, SCV000260700.10, SCV000210926.16; internal lab contributors). CDH1-VCEP recommended a variant to reach likely benign classification based on BS2 alone. Therefore, the clinical significance of this variant is likely benign. ACMG/AMP criteria applied, as specified by the CDH1 Variant Curation Expert Panel (Variant Interpretation Guidelines Version 3.1): BS2.

PreventionGenetics, part of Exact Sciences
Classification: Likely benign for CDH1-related condition. Last evaluated: 2026-01-13. Review status: criteria provided, single submitter. Criteria: ACMG Guidelines, 2015. Collection method: clinical testing. Allele origin: germline. Not counted in ClinVar's aggregate classification.
Comment: This variant is classified as likely benign based on ACMG/AMP sequence variant interpretation guidelines (Richards et al. 2015 PMID: 25741868, with internal and published modifications).

Center for Genomic Medicine, Rigshospitalet, Copenhagen University Hospital
Classification: Likely benign. Last evaluated: 2025-12-29. Review status: criteria provided, single submitter. Criteria: ACMG Guidelines, 2015. Collection method: clinical testing. Allele origin: germline. Not counted in ClinVar's aggregate classification.
Comment: Classification criteria: BS2

Labcorp Genetics (formerly Invitae), Labcorp
Classification: Likely benign for Hereditary diffuse gastric adenocarcinoma. Last evaluated: 2025-11-22. Review status: criteria provided, single submitter. Criteria: Invitae Variant Classification Sherloc (09022015). Collection method: clinical testing. Allele origin: germline. Not counted in ClinVar's aggregate classification.

GeneDx
Classification: Uncertain significance. Last evaluated: 2025-08-14. Review status: criteria provided, single submitter. Criteria: GeneDx Variant Classification Process June 2021. Collection method: clinical testing. Allele origin: germline. Affected: yes. Not counted in ClinVar's aggregate classification.
Comment: In silico analysis suggests that this missense variant does not alter protein structure/function; This variant is associated with the following publications: (PMID: 25734694, 22941188, 26976419, 26486520, 25502898, 32658311, 33471991, 26898890, 36436516, 15235021, 22850631, 34284872)

Quest Diagnostics Nichols Institute San Juan Capistrano
Classification: Likely benign. Last evaluated: 2024-10-25. Review status: criteria provided, single submitter. Criteria: Quest Diagnostics criteria. Collection method: clinical testing. Allele origin: unknown. Not counted in ClinVar's aggregate classification.

Blueprint Genetics
Classification: Uncertain significance. Last evaluated: 2024-07-30. Review status: criteria provided, single submitter. Criteria: ACMG Guidelines, 2015. Collection method: clinical testing. Allele origin: germline. Not counted in ClinVar's aggregate classification.

Myriad Genetics, Inc.
Classification: Uncertain significance for Hereditary diffuse gastric adenocarcinoma. Last evaluated: 2023-03-06. Review status: criteria provided, single submitter. Criteria: Myriad Autosomal Dominant, Autosomal Recessive and X-Linked Classification Criteria (2023). Collection method: clinical testing. Allele origin: unknown. Not counted in ClinVar's aggregate classification.
Comment: This variant is classified as a variant of uncertain significance as there is insufficient evidence to determine its impact on protein function and/or cancer risk.

Women's Health and Genetics/Laboratory Corporation of America, LabCorp
Classification: Uncertain significance. Last evaluated: 2022-08-29. Review status: criteria provided, single submitter. Criteria: LabCorp Variant Classification Summary - May 2015. Collection method: clinical testing. Allele origin: germline. Not counted in ClinVar's aggregate classification.
Comment: Variant summary: CDH1 c.2204C>T (p.Ala735Val) results in a non-conservative amino acid change located in the Cadherin, cytoplasmic domain (IPR000233) of the encoded protein sequence. Four of five in-silico tools predict a benign effect of the variant on protein function. The variant allele was found at a frequency of 2.8e-05 in 282840 control chromosomes (gnomAD). The available data on variant occurrences in the general population are insufficient to allow any conclusion about variant significance. c.2204C>T has been reported in the literature in individuals affected with Breast Cancer (e.g. Ackay_2021, Caminsky_2016, Dorling_2021) as well as control individuals (Dorling_2021). The variant was also reported in the FLOSSIES database, consisting of women over the age of 70 with no history of cancer. These data do not provide unequivocal conclusions about association of the variant with Breast Cancer. To our knowledge, no experimental evidence demonstrating an impact on protein function has been reported. Seven ClinVar submitters have assessed the variant since 2014: four classify the variant as uncertain significance and three as likely benign. Based on the evidence outlined above, the variant was classified as uncertain significance.

European Reference Network on Genetic Tumour Risk Syndromes (ERN-GENTURIS), i3s - Instituto de Investigação e Inovação em Saúde, University of Porto
Classification: Uncertain significance for Hereditary diffuse gastric adenocarcinoma. Last evaluated: 2022-08-01. Review status: criteria provided, single submitter. Criteria: Lee et al. (Hum Mutat. 2018). Collection method: clinical testing. Allele origin: germline. Inheritance: Autosomal dominant inheritance. Affected: yes. Study: ERN GENTURIS. Not counted in ClinVar's aggregate classification.
Comment: PS4_Supporting (PMID: 30311375)

Department of Pathology and Laboratory Medicine, Sinai Health System
Classification: Uncertain significance for CDH1-related diffuse gastric and lobular breast cancer syndrome. Last evaluated: 2022-06-28. Review status: criteria provided, single submitter. Criteria: ACMG Guidelines, 2015. Collection method: clinical testing. Allele origin: germline. Affected: no. Not counted in ClinVar's aggregate classification.

Ambry Genetics
Classification: Likely benign for Hereditary cancer-predisposing syndrome. Last evaluated: 2022-01-27. Review status: criteria provided, single submitter. Criteria: Ambry Variant Classification Scheme 2023. Collection method: clinical testing. Allele origin: germline. Not counted in ClinVar's aggregate classification.

Sema4
Classification: Likely benign for Hereditary cancer-predisposing syndrome. Last evaluated: 2022-01-23. Review status: criteria provided, single submitter. Criteria: Sema4 Curation Guidelines. Collection method: curation. Allele origin: germline. Not counted in ClinVar's aggregate classification.

Color Diagnostics, LLC DBA Color Health
Classification: Likely benign for Hereditary cancer-predisposing syndrome. Last evaluated: 2021-06-08. Review status: criteria provided, single submitter. Criteria: ACMG Guidelines, 2015. Collection method: clinical testing. Allele origin: germline. Not counted in ClinVar's aggregate classification.

Counsyl
Classification: Uncertain significance for Hereditary diffuse gastric adenocarcinoma. Last evaluated: 2016-05-10. Review status: no assertion criteria provided. Collection method: clinical testing. Allele origin: unknown. Not counted in ClinVar's aggregate classification.

Literature cited by the submitters: PubMed 36436516 (cited by Quest Diagnostics Nichols Institute San Juan Capistrano and European Reference Network on Genetic Tumour Risk Syndromes (ERN-GENTURIS), i3s - Instituto de Investigação e Inovação em Saúde, University of Porto); PubMed 32658311 (cited by 3 submitters); PubMed 26898890 (cited by 4 submitters); PubMed 33471991 (cited by 3 submitters); PubMed 22941188 (cited by Quest Diagnostics Nichols Institute San Juan Capistrano).